The following is an entry in ClinVar:

NM_152564.5(VPS13B):c.10885_10887del (p.Leu3629del)

Gene: VPS13B (vacuolar protein sorting 13 homolog B; plus strand). Cytogenetic location: 8q22.2.
Variant type: Deletion.
Coding change: c.10885_10887del on transcript NM_152564.5 (MANE Select); coding-DNA positions 10885 to 10887, 3 bases deleted (CTG; older notation c.10885_10887delCTG).
Protein change: p.Leu3629del; deletes leucine 3629.
Molecular consequence: inframe deletion.
Genome position (GRCh38, 1-based): chr8:99,859,321-99,859,323, CTG deleted. VCF-style (leftmost placement, unchanged base first): chr8-99859320-TCTG-T. GRCh37 (hg19) VCF-style: chr8-100871548-TCTG-T.
Other names: c.10960_10962del, p.Leu3654del (NM_017890.5); short protein forms L3629del, L3654del.
Identifiers: ClinVar variation 438590 (VCV000438590.1), dbSNP rs1554583497, ClinGen allele CA658797132.

ClinVar aggregate classification (germline): Uncertain significance (1 of 4 stars; one submission).

Conditions:
Cohen syndrome (COH1). Also called: Cutis verticis gyrata, retinitis pigmentosa, and sensorineural deafness; PEPPER SYNDROME. Identifiers: Orphanet 193, MedGen C0265223, MONDO:0008999, OMIM 216550.

Submission:

Lupski Lab, Baylor-Hopkins CMG, Baylor College of Medicine
Classification: Uncertain significance for Cohen syndrome. Last evaluated: 2017-09-01. Review status: criteria provided, single submitter. Criteria: Wiszniewski et al. (Eur J Hum Genet. 2018). Collection method: research. Allele origin: inherited, unknown. Inheritance: Autosomal recessive inheritance. Affected: yes and no. Observed: 2 variant alleles.